The following is an entry in ClinVar:

ClinVar aggregate classification (germline): Uncertain significance (1 of 4 stars; one submission).

Submission:

Labcorp Genetics (formerly Invitae), Labcorp
Classification: Uncertain significance. Last evaluated: 2023-04-13. Review status: criteria provided, single submitter. Criteria: Invitae Variant Classification Sherloc (09022015). Collection method: clinical testing. Allele origin: germline.
Comment: This variant, c.5037_5039dup, results in the insertion of 1 amino acid(s) of the KMT2E protein (p.Pro1684dup), but otherwise preserves the integrity of the reading frame. This variant is not present in population databases (gnomAD no frequency). This variant has not been reported in the literature in individuals affected with KMT2E-related conditions. In summary, the available evidence is currently insufficient to determine the role of this variant in disease. Therefore, it has been classified as a Variant of Uncertain Significance.

NM_182931.3(KMT2E):c.5037_5039dup (p.Pro1684_Gly1685insPro)

Gene: KMT2E (lysine methyltransferase 2E (inactive); plus strand). Cytogenetic location: 7q22.3.
Variant type: Duplication.
Coding change: c.5037_5039dup on transcript NM_182931.3 (MANE Select); coding-DNA positions 5037 to 5039, 3 bases duplicated (ACC; older notation c.5037_5039dupACC).
Protein change: p.Pro1684_Gly1685insPro.
Molecular consequence: inframe insertion.
Genome position (GRCh38, 1-based): chr7:105,112,793-105,112,795, ACC duplicated; duplicating any 3 consecutive bases within chr7:105,112,791-105,112,795 gives the same sequence; the c. name uses the placement nearest the transcript's 3' end. VCF-style (leftmost placement, unchanged base first): chr7-105112790-C-CCCA. GRCh37 (hg19) VCF-style: chr7-104753237-C-CCCA.
Other names: c.4911_4913dup, p.Pro1642_Gly1643insPro (NM_001410908.1); c.5037_5039dup, p.Pro1684_Gly1685insPro (NM_018682.4).
Identifiers: ClinVar variation 2782082 (VCV002782082.3), dbSNP rs2536527299, ClinGen allele CA2739277817.